The following is an entry in ClinVar:

ClinVar aggregate classification (germline): Uncertain significance. Review status: criteria provided, multiple submitters, no conflicts (2 of 4 stars). 2 submissions from 2 submitters: Uncertain significance (2). Last evaluated 2025-12-19.

gnomAD v4.1: 3 of 1,614,094 alleles (0.00019%); highest among the groups gnomAD compares: Non-Finnish European, 0.00017%; no homozygotes.

Submissions (2):

Labcorp Genetics (formerly Invitae), Labcorp
Classification: Uncertain significance. Last evaluated: 2025-12-19. Review status: criteria provided, single submitter. Criteria: Invitae Variant Classification Sherloc (09022015). Collection method: clinical testing. Allele origin: germline.
Comment: This sequence change replaces aspartic acid, which is acidic and polar, with glutamic acid, which is acidic and polar, at codon 2168 of the FBN3 protein (p.Asp2168Glu). This variant is present in population databases (no rsID available, gnomAD 0.0009%). This variant has not been reported in the literature in individuals affected with FBN3-related conditions. ClinVar contains an entry for this variant (Variation ID: 4255527). Invitae Evidence Modeling of protein sequence and biophysical properties (such as structural, functional, and spatial information, amino acid conservation, physicochemical variation, residue mobility, and thermodynamic stability) indicates that this missense variant is expected to disrupt FBN3 protein function with a positive predictive value of 80%. In summary, the available evidence is currently insufficient to determine the role of this variant in disease. Therefore, it has been classified as a Variant of Uncertain Significance.

Ambry Genetics
Classification: Uncertain significance. Last evaluated: 2025-08-04. Review status: criteria provided, single submitter. Criteria: Ambry Variant Classification Scheme 2023. Collection method: clinical testing. Allele origin: germline.

NM_032447.5(FBN3):c.6504C>G (p.Asp2168Glu)

Gene: FBN3 (fibrillin 3; minus strand). Cytogenetic location: 19p13.2.
Variant type: single nucleotide variant.
Coding change: c.6504C>G on transcript NM_032447.5 (MANE Select); coding-DNA position 6504, C replaced by G.
Protein change: p.Asp2168Glu; replaces aspartic acid 2168 with glutamic acid.
Molecular consequence: missense variant.
Genome position (GRCh38, 1-based): chr19:8,087,940, G>C on the plus strand (C>G on the coding strand, the complement: FBN3 is on the minus strand). VCF-style: chr19-8087940-G-C. GRCh37 (hg19) VCF-style: chr19-8152824-G-C.
Other names: c.6504C>G, p.Asp2168Glu (NM_001321431.2); short protein forms D2168E.
Identifiers: ClinVar variation 4255527 (VCV004255527.2).